The following is an entry in ClinVar:

ClinVar aggregate classification (germline): Uncertain significance (1 of 4 stars; one submission).

Conditions:
Primary ciliary dyskinesia. Also called: Ciliary dyskinesia. Identifiers: Orphanet 244, MedGen C0008780, MONDO:0016575, HP:0012265.

Allele frequency attached by ClinVar (database versions not stated): gnomAD 0.00001; gnomAD exomes 0.00002; TOPMed 0.00002; ExAC 0.00003.
gnomAD v4.1: 27 of 1,603,294 alleles (0.0017%); highest among the groups gnomAD compares: Admixed American, 0.0086%; no homozygotes.

Submission:

Labcorp Genetics (formerly Invitae), Labcorp
Classification: Uncertain significance for Primary ciliary dyskinesia. Last evaluated: 2025-05-06. Review status: criteria provided, single submitter. Criteria: Invitae Variant Classification Sherloc (09022015). Collection method: clinical testing. Allele origin: germline.
Comment: This sequence change replaces arginine, which is basic and polar, with glutamine, which is neutral and polar, at codon 4166 of the DNAH8 protein (p.Arg4166Gln). This variant is present in population databases (rs770628767, gnomAD 0.02%). This variant has not been reported in the literature in individuals affected with DNAH8-related conditions. ClinVar contains an entry for this variant (Variation ID: 656060). Invitae Evidence Modeling of protein sequence and biophysical properties (such as structural, functional, and spatial information, amino acid conservation, physicochemical variation, residue mobility, and thermodynamic stability) indicates that this missense variant is not expected to disrupt DNAH8 protein function with a negative predictive value of 80%. In summary, the available evidence is currently insufficient to determine the role of this variant in disease. Therefore, it has been classified as a Variant of Uncertain Significance.

NM_001206927.2(DNAH8):c.12497G>A (p.Arg4166Gln)

Gene: DNAH8 (dynein axonemal heavy chain 8; plus strand). Cytogenetic location: 6p21.2.
Variant type: single nucleotide variant.
Coding change: c.12497G>A on transcript NM_001206927.2 (MANE Select); coding-DNA position 12497, G replaced by A.
Protein change: p.Arg4166Gln; replaces arginine 4166 with glutamine.
Molecular consequence: missense variant.
Genome position (GRCh38, 1-based): chr6:38,971,637, G>A. VCF-style: chr6-38971637-G-A. GRCh37 (hg19) VCF-style: chr6-38939413-G-A.
Other names: c.11846G>A, p.Arg3949Gln (NM_001371.4); short protein forms R3949Q, R4166Q.
Identifiers: ClinVar variation 656060 (VCV000656060.9), dbSNP rs770628767, ClinGen allele CA3791361.